The following is an entry in ClinVar:

NM_002230.4(JUP):c.1246T>A (p.Ser416Thr)

Gene: JUP (junction plakoglobin; minus strand). Cytogenetic location: 17q21.2.
Variant type: single nucleotide variant.
Coding change: c.1246T>A on transcript NM_002230.4 (MANE Select); coding-DNA position 1246, T replaced by A.
Protein change: p.Ser416Thr; replaces serine 416 with threonine.
Molecular consequence: missense variant.
Genome position (GRCh38, 1-based): chr17:41,763,234, A>T on the plus strand (T>A on the coding strand, the complement: JUP is on the minus strand). VCF-style: chr17-41763234-A-T. GRCh37 (hg19) VCF-style: chr17-39919486-A-T.
Other names: c.1246T>A, p.Ser416Thr (NM_001352773.2, NM_001352774.2, NM_001352775.2 and 3 more transcripts); short protein forms S416T.
Identifiers: ClinVar variation 1759679 (VCV001759679.2), dbSNP rs2544109763, ClinGen allele CA399497799.

ClinVar aggregate classification (germline): Uncertain significance (1 of 4 stars; one submission).

Conditions:
Cardiovascular phenotype. Identifiers: MedGen CN230736.

Submission:

Ambry Genetics
Classification: Uncertain significance for Cardiovascular phenotype. Last evaluated: 2019-04-16. Review status: criteria provided, single submitter. Criteria: Ambry Variant Classification Scheme 2023. Collection method: clinical testing. Allele origin: germline.
Comment: The p.S416T variant (also known as c.1246T>A), located in coding exon 7 of the JUP gene, results from a T to A substitution at nucleotide position 1246. The serine at codon 416 is replaced by threonine, an amino acid with similar properties. This amino acid position is highly conserved in available vertebrate species. In addition, the in silico prediction for this alteration is inconclusive. Since supporting evidence is limited at this time, the clinical significance of this alteration remains unclear.